The following is an entry in ClinVar:

NM_144596.4(TTC8):c.727G>A (p.Glu243Lys)

Gene: TTC8 (tetratricopeptide repeat domain 8; plus strand). Cytogenetic location: 14q31.3.
Variant type: single nucleotide variant.
Coding change: c.727G>A on transcript NM_144596.4 (MANE Select); coding-DNA position 727, G replaced by A.
Protein change: p.Glu243Lys; replaces glutamic acid 243 with lysine.
Molecular consequence: missense variant. On other transcripts: non-coding transcript variant (1).
Genome position (GRCh38, 1-based): chr14:88,857,206, G>A. VCF-style: chr14-88857206-G-A. GRCh37 (hg19) VCF-style: chr14-89323550-G-A.
Other names: c.775G>A, p.Glu259Lys (NM_001288781.1); c.133G>A, p.Glu45Lys (NM_001288782.1); c.10G>A, p.Glu4Lys (NM_001288783.1); c.697G>A, p.Glu233Lys (NM_001366535.2, NM_198309.3); c.607G>A, p.Glu203Lys (NM_001366536.2, NM_198310.3); short protein forms E243K, E45K, E203K, E233K, E259K, E4K.
Identifiers: ClinVar variation 658813 (VCV000658813.8), dbSNP rs1419727328, ClinGen allele CA390545977.

ClinVar aggregate classification (germline): Uncertain significance (1 of 4 stars; one submission).

Conditions:
Bardet-Biedl syndrome (BBS). Identifiers: Orphanet 110, MedGen C0752166, MONDO:0015229.

Allele frequency attached by ClinVar (database versions not stated): gnomAD below 0.00001 and 0.00001; gnomAD exomes 0.00001.
gnomAD v4.1: 10 of 1,613,744 alleles (0.00062%); highest among the groups gnomAD compares: South Asian, 0.011%; no homozygotes.

Submission:

Labcorp Genetics (formerly Invitae), Labcorp
Classification: Uncertain significance for Bardet-Biedl syndrome. Last evaluated: 2018-11-20. Review status: criteria provided, single submitter. Criteria: Invitae Variant Classification Sherloc (09022015). Collection method: clinical testing. Allele origin: germline.
Comment: In summary, the available evidence is currently insufficient to determine the role of this variant in disease. Therefore, it has been classified as a Variant of Uncertain Significance. Algorithms developed to predict the effect of missense changes on protein structure and function (SIFT, PolyPhen-2, Align-GVGD) all suggest that this variant is likely to be tolerated, but these predictions have not been confirmed by published functional studies and their clinical significance is uncertain. This variant has not been reported in the literature in individuals with TTC8-related disease. This variant is not present in population databases (ExAC no frequency). This sequence change replaces glutamic acid with lysine at codon 233 of the TTC8 protein (p.Glu233Lys). The glutamic acid residue is moderately conserved and there is a small physicochemical difference between glutamic acid and lysine.